The following is an entry in ClinVar:

ClinVar aggregate classification (germline): Uncertain significance. Review status: criteria provided, multiple submitters, no conflicts (2 of 4 stars). 4 submissions from 4 submitters: Uncertain significance (4). Last evaluated 2024-07-15.

Conditions:
Familial melanoma. Also called: Hereditary melanoma; Hereditary cutaneous melanoma. Identifiers: Orphanet 618, MedGen C1512419, MONDO:0018961.
Acute lymphoid leukemia (ALL). Also called: Leukemia, acute lymphoblastic, somatic; Lymphoblastic leukemia; Acute lymphoblastic leukemia; Acute lymphocytic leukemia. Identifiers: Orphanet 513, MedGen C0023449, MONDO:0004967, OMIM 613065, HP:0006721.
Hereditary cancer-predisposing syndrome. Also called: Hereditary neoplastic syndrome; Neoplastic Syndromes, Hereditary; Hereditary Cancer Syndrome; Tumor predisposition. Identifiers: Orphanet 140162, MedGen C0027672, MeSH D009386, MONDO:0015356.

Submissions (4):

Labcorp Genetics (formerly Invitae), Labcorp
Classification: Uncertain significance for Familial melanoma. Last evaluated: 2024-07-15. Review status: criteria provided, single submitter. Criteria: Invitae Variant Classification Sherloc (09022015). Collection method: clinical testing. Allele origin: germline.
Comment: The CDKN2A gene encodes two different proteins, p16INK4a and p14ARF, which are translated from alternative transcripts with different open reading frames. Both transcripts have been analyzed. We report either the variant with the higher classification or default to the CDKN2A (p16INK4a) variant. This report therefore includes the details for the CDKN2A (p16INK4a) variant. This sequence change replaces threonine, which is neutral and polar, with proline, which is neutral and non-polar, at codon 79 of the CDKN2A (p16INK4a) protein (p.Thr79Pro). This variant is not present in population databases (gnomAD no frequency). This variant has not been reported in the literature in individuals affected with CDKN2A (p16INK4a)-related conditions. This variant is also known as c.278A>C (p.His93Pro) in the CDKN2A (p14ARF) transcript. ClinVar contains an entry for this variant (Variation ID: 463491). An algorithm developed to predict the effect of missense changes on protein structure and function (PolyPhen-2) suggests that this variant is likely to be disruptive. In summary, the available evidence is currently insufficient to determine the role of this variant in disease. Therefore, it has been classified as a Variant of Uncertain Significance.

Genomic Diagnostics Laboratory, National Institute of Medical Genomics
Classification: Uncertain significance for Acute lymphoid leukemia. Last evaluated: 2023-09-23. Review status: criteria provided, single submitter. Criteria: AMP Guidelines, 2017. Collection method: clinical testing. Allele origin: somatic. Affected: yes.

Ambry Genetics
Classification: Uncertain significance for Hereditary cancer-predisposing syndrome. Last evaluated: 2022-06-02. Review status: criteria provided, single submitter. Criteria: Ambry Variant Classification Scheme 2023. Collection method: clinical testing. Allele origin: germline.
Comment: The p.T79P variant (also known as c.235A>C), located in coding exon 2 of the CDKN2A gene, results from an A to C substitution at nucleotide position 235. The threonine at codon 79 is replaced by proline, an amino acid with highly similar properties. This amino acid position is not well conserved in available vertebrate species. In addition, the in silico prediction for this alteration is inconclusive. Since supporting evidence is limited at this time, the clinical significance of this alteration remains unclear.

Color Diagnostics, LLC DBA Color Health
Classification: Uncertain significance for Hereditary cancer-predisposing syndrome. Last evaluated: 2019-09-17. Review status: criteria provided, single submitter. Criteria: ACMG Guidelines, 2015. Collection method: clinical testing. Allele origin: germline.
Comment: This missense variant replaces threonine with proline at codon 79 of the CDKN2A protein. Computational prediction tools and conservation analyses are inconclusive regarding the impact of this variant on protein structure and function. Splice site prediction tools suggest that this variant may not impact RNA splicing. To our knowledge, functional studies have not been performed for this variant. This variant has not been reported in individuals affected with hereditary cancer in the literature. This variant has not been identified in the general population by the Genome Aggregation Database (gnomAD). The available evidence is insufficient to determine the role of this variant in disease conclusively. Therefore, this variant is classified as a Variant of Uncertain Significance.

NM_000077.5(CDKN2A):c.235A>C (p.Thr79Pro)

Gene: CDKN2A (cyclin dependent kinase inhibitor 2A; minus strand). Cytogenetic location: 9p21.3.
Variant type: single nucleotide variant.
Coding change: c.235A>C on transcript NM_000077.5; coding-DNA position 235, A replaced by C.
Protein change: p.Thr79Pro; replaces threonine 79 with proline.
Molecular consequence: missense variant (on NM_000077.6). On other transcripts: 3 prime UTR variant (1).
Genome position (GRCh38, 1-based): chr9:21,971,124, T>G on the plus strand (A>C on the coding strand, the complement: CDKN2A is on the minus strand). VCF-style: chr9-21971124-T-G. GRCh37 (hg19) VCF-style: chr9-21971123-T-G.
Other names: c.235A>C, p.Thr79Pro (NM_000077.6, NM_001195132.2); c.82A>C, p.Thr28Pro (NM_001363763.2); c.278A>C, p.His93Pro (NM_058195.4); c.*158A>C (NM_058197.5); short protein forms H93P, T79P, T28P.
Identifiers: ClinVar variation 463491 (VCV000463491.23), dbSNP rs1554654113, ClinGen allele CA373086262.